The following is an entry in ClinVar:

ClinVar aggregate classification (germline): Uncertain significance (0 of 4 stars; one submission).

Conditions:
KDM4C-related disorder. Also called: KDM4C-related condition.

Submission:

PreventionGenetics, part of Exact Sciences
Classification: Uncertain significance for KDM4C-related condition. Last evaluated: 2024-04-04. Review status: no assertion criteria provided. Collection method: clinical testing. Allele origin: germline.
Comment: The KDM4C c.2985_2993del9 variant is predicted to result in an in-frame deletion (p.Ile995_His997del). To our knowledge, this variant has not been reported in the literature or in a large population database, indicating this variant is rare. At this time, the clinical significance of this variant is uncertain due to the absence of conclusive functional and genetic evidence.

NM_015061.6(KDM4C):c.2886_2894del (p.Ile962_His964del)

Gene: KDM4C (lysine demethylase 4C; plus strand). Cytogenetic location: 9p24.1.
Variant type: Deletion.
Coding change: c.2886_2894del on transcript NM_015061.6 (MANE Select); coding-DNA positions 2886 to 2894, 9 bases deleted (TGCCCACAT; older notation c.2886_2894delTGCCCACAT).
Protein change: p.Ile962_His964del.
Molecular consequence: inframe deletion. On other transcripts: non-coding transcript variant (4).
Genome position (GRCh38, 1-based): chr9:7,165,342-7,165,350, TGCCCACAT deleted; deleting any 9 consecutive bases within chr9:7,165,340-7,165,350 gives the same sequence; the c. name uses the placement nearest the transcript's 3' end. VCF-style (leftmost placement, unchanged base first): chr9-7165339-TATTGCCCAC-T. GRCh37 (hg19) VCF-style: chr9-7165339-TATTGCCCAC-T.
Other names: c.2886_2894del, p.Ile962_His964del (NM_001304339.4); c.2121_2129del, p.Ile707_His709del (NM_001304340.4); c.2985_2993del, p.Ile995_His997del (NM_001353997.3); c.1674_1682del, p.Ile558_His560del (NM_001353999.3); c.1575_1583del, p.Ile525_His527del (NM_001354000.3, NM_001354001.3).
Identifiers: ClinVar variation 3348381 (VCV003348381.1).